The following is an entry in ClinVar:

ClinVar aggregate classification (germline): Uncertain significance (1 of 4 stars; one submission).

Submission:

Labcorp Genetics (formerly Invitae), Labcorp
Classification: Uncertain significance. Last evaluated: 2022-03-09. Review status: criteria provided, single submitter. Criteria: Invitae Variant Classification Sherloc (09022015). Collection method: clinical testing. Allele origin: germline.
Comment: In summary, the available evidence is currently insufficient to determine the role of this variant in disease. Therefore, it has been classified as a Variant of Uncertain Significance. This variant has not been reported in the literature in individuals affected with LAMC3-related conditions. This variant is not present in population databases (gnomAD no frequency). This variant, c.1730_1762dup, results in the insertion of 11 amino acid(s) of the LAMC3 protein (p.Leu577_Arg587dup), but otherwise preserves the integrity of the reading frame.

NM_006059.4(LAMC3):c.1730_1762dup (p.Arg587_His588insLeuGluGlyThrGlyLeuAlaLeuSerLeuArg)

Genes: LAMC3 (laminin subunit gamma 3; plus strand), LOC126860777 (BRD4-independent group 4 enhancer GRCh37_chr9:133927058-133928257; plus strand). Cytogenetic location: 9q34.12.
Variant type: Duplication.
Coding change: c.1730_1762dup on transcript NM_006059.4 (MANE Select); coding-DNA positions 1730 to 1762, 33 bases duplicated.
Protein change: p.Arg587_His588insLeuGluGlyThrGlyLeuAlaLeuSerLeuArg.
Molecular consequence: inframe insertion.
Genome position (GRCh38, 1-based): chr9:131,052,590-131,052,622, 33 bases duplicated; duplicating any 33 consecutive bases within chr9:131,052,583-131,052,622 gives the same sequence; the c. name uses the placement nearest the transcript's 3' end. GRCh37 (hg19): chr9:133,927,977-133,928,009.
Identifiers: ClinVar variation 2107829 (VCV002107829.4), dbSNP rs2490755470, ClinGen allele CA2580079858.